The following is an entry in ClinVar:

NM_020458.4(TTC7A):c.1355dup (p.Met453fs)

Gene: TTC7A (tetratricopeptide repeat domain 7A; plus strand). Cytogenetic location: 2p21.
Variant type: Duplication.
Coding change: c.1355dup on transcript NM_020458.4 (MANE Select); coding-DNA position 1355, one base duplicated (T; older notation c.1355dupT).
Protein change: p.Met453fs; shifts the reading frame from methionine 453.
Molecular consequence: frameshift variant.
Genome position (GRCh38, 1-based): chr2:47,011,398, T duplicated. VCF-style (leftmost placement, unchanged base first): chr2-47011397-C-CT. GRCh37 (hg19) VCF-style: chr2-47238536-C-CT.
Other names: c.1355dup, p.Met453fs (NM_001288951.2); c.1253dup, p.Met419fs (NM_001288953.2); c.293dup, p.Met99fs (NM_001288955.2); short protein forms M419fs, M453fs, M99fs.
Identifiers: ClinVar variation 1433649 (VCV001433649.6), dbSNP rs2104485613, ClinGen allele CA2573134833.

ClinVar aggregate classification (germline): Pathogenic (1 of 4 stars; one submission).

Conditions:
Multiple gastrointestinal atresias. Also called: Multiple intestinal atresia; FAMILIAL INTESTINAL POLYATRESIA SYNDROME. Identifiers: Orphanet 2300, MedGen C0220744, MONDO:0009465.

Submission:

Labcorp Genetics (formerly Invitae), Labcorp
Classification: Pathogenic for Multiple gastrointestinal atresias. Last evaluated: 2021-03-28. Review status: criteria provided, single submitter. Criteria: Invitae Variant Classification Sherloc (09022015). Collection method: clinical testing. Allele origin: germline.
Comment: For these reasons, this variant has been classified as Pathogenic. This variant has not been reported in the literature in individuals with TTC7A-related conditions. This variant is not present in population databases (ExAC no frequency). This sequence change creates a premature translational stop signal (p.Met453Aspfs*46) in the TTC7A gene. It is expected to result in an absent or disrupted protein product. Loss-of-function variants in TTC7A are known to be pathogenic (PMID: 23830146, 24292712).

Literature cited by the submitters: PubMed 23830146; PubMed 24292712.